The following is an entry in ClinVar:

ClinVar aggregate classification (germline): Pathogenic. Review status: criteria provided, multiple submitters, no conflicts (2 of 4 stars). 11 submissions from 11 submitters: Pathogenic (9). 2 of the submissions do not count toward it. Last evaluated 2025-09-27.

Conditions:
SLC52A2-related disorder. Also called: SLC52A2-related condition.
Inborn genetic diseases. Identifiers: MedGen C0950123, MeSH D030342.
Mitochondrial disease. Also called: Mitochondrial disorders; Mitochondrial disorder. Identifiers: Orphanet 68380, MedGen C0751651, MeSH D028361, MONDO:0044970.
Brown-Vialetto-van Laere syndrome 2. Also called: Riboflavin transporter deficiency type 2; SPINOCEREBELLAR ATAXIA WITH BLINDNESS AND DEAFNESS 2. Identifiers: Orphanet 572543, Orphanet 97229, MedGen C3553538, MONDO:0013867, OMIM 614707.

Allele frequency attached by ClinVar (database versions not stated): gnomAD exomes 0.00004; ExAC 0.00003; gnomAD 0.00007 and 0.00006; TOPMed 0.00006.

Submissions (11):

Labcorp Genetics (formerly Invitae), Labcorp
Classification: Pathogenic for Brown-Vialetto-van Laere syndrome 2. Last evaluated: 2025-09-27. Review status: criteria provided, single submitter. Criteria: Invitae Variant Classification Sherloc (09022015). Collection method: clinical testing. Allele origin: germline.
Comment: This sequence change replaces glycine, which is neutral and non-polar, with arginine, which is basic and polar, at codon 306 of the SLC52A2 protein (p.Gly306Arg). This variant is present in population databases (rs398124641, gnomAD 0.009%). This missense change has been observed in individuals with the clinical features of Brown-Vialetto-Van Laere syndrome (BVVLS) (PMID: 22740598, 24253200, 24616084, 25133958, 26669662). It has also been observed to segregate with disease in related individuals. ClinVar contains an entry for this variant (Variation ID: 35470). Invitae Evidence Modeling of protein sequence and biophysical properties (such as structural, functional, and spatial information, amino acid conservation, physicochemical variation, residue mobility, and thermodynamic stability) indicates that this missense variant is expected to disrupt SLC52A2 protein function with a positive predictive value of 95%. Experimental studies have shown that this missense change affects SLC52A2 function (PMID: 24253200, 24616084). For these reasons, this variant has been classified as Pathogenic.

Mayo Clinic Laboratories, Mayo Clinic
Classification: Pathogenic. Last evaluated: 2025-01-07. Review status: criteria provided, single submitter. Criteria: ACMG Guidelines, 2015. Collection method: clinical testing. Allele origin: germline. Observed: 2 variant alleles.
Comment: PP3_moderate, PM2_supporting

Blueprint Genetics
Classification: Pathogenic for SLC52A2-related disorders. Last evaluated: 2024-09-18. Review status: criteria provided, single submitter. Criteria: ACMG Guidelines, 2015. Collection method: clinical testing. Allele origin: germline. Affected: yes. Observed: 5 variant alleles.

GeneDx
Classification: Pathogenic. Last evaluated: 2022-11-08. Review status: criteria provided, single submitter. Criteria: GeneDx Variant Classification Process June 2021. Collection method: clinical testing. Allele origin: germline. Affected: yes.
Comment: Published functional studies demonstrate a damaging effect (decreased SLC52A2 protein expression and reduction in 3 H-riboflavin transport activity) (Foley et al., 2014); Not observed at significant frequency in large population cohorts (gnomAD); This variant is associated with the following publications: (PMID: 25133958, 28251916, 26669662, 22740598, 34602496, 30377535, 29913018, 26072523, 32773395, 24253200)

Ambry Genetics
Classification: Pathogenic for Inborn genetic diseases. Last evaluated: 2022-05-02. Review status: criteria provided, single submitter. Criteria: Ambry Variant Classification Scheme 2023. Collection method: clinical testing. Allele origin: germline.
Comment: The p.G306R pathogenic mutation (also known as c.916G>A), located in coding exon 2 of the SLC52A2 gene, results from a G to A substitution at nucleotide position 916. The glycine at codon 306 is replaced by arginine, an amino acid with dissimilar properties. This variant is considered to be rare based on population cohorts in the Genome Aggregation Database (gnomAD). This alteration has been found to segregate among affected relatives in the one Lebanese family (Srour M et al. Muscle Nerve, 2014 Nov;50:775-9) and is considered a Lebanese founder mutation (Megarbane A et al. J Neuromuscul Dis, 2022;9:193-210; Foley AR et al. Brain, 2014 Jan;137:44-56). This alteration has also been detected in the homozygous state, and in the compound heterozygous state with another pathogenic SLC2A2 mutation, in multiple unrelated individuals (Montaut S et al. JAMA Neurol, 2018 10;75:1234-1245; Guissart C et al. Eur J Hum Genet, 2016 08;24:1154-9; Fan J et al. Cerebellum Ataxias, 2018 Oct;5:12; Bansagi B et al. Neurology, 2017 Mar;88:1226-1234; Allison T et al. J Child Neurol, 2017 05;32:528-532; Foley AR et al. Brain, 2014 Jan;137:44-56; Fogel BL et al. JAMA Neurol, 2014 Oct;71:1237-46; Johnson JO et al. Brain, 2012 Sep;135:2875-82). Based on the supporting evidence, this alteration is interpreted as a disease-causing mutation.

Victorian Clinical Genetics Services, Murdoch Childrens Research Institute
Classification: Pathogenic for Brown-Vialetto-van Laere syndrome 2. Last evaluated: 2020-10-19. Review status: criteria provided, single submitter. Criteria: ACMG Guidelines, 2015. Collection method: clinical testing. Allele origin: germline. Inheritance: Autosomal recessive inheritance.
Comment: Based on the classification scheme VCGS_Germline_v1.1.1, this variant is classified as Pathogenic. Following criteria are met: 0102 - Loss-of-function is a known mechanism of disease for this gene. (N) 0106 - This gene is known to be associated with autosomal recessive disease. (N) 0200 - Variant is predicted to result in a missense amino acid change from a glycine to an arginine (exon 3). (N) 0251 - Variant is heterozygous. (N) 0304 - Variant is present in gnomAD <0.01 for a recessive condition (14 heterozygotes, 0 homozygotes). (P) 0309 - An alternative amino acid change at the same position has been observed in gnomAD (1 heterozygote, 0 homozygote). (N) 0501 - Missense variant consistently predicted to be damaging by multiple in silico tools or highly conserved with a major amino acid change. (P) 0600 - Variant is located in an annotated domain or motif (DUF1011 domain) (N) 0704 - Comparable variant has low previous evidence for pathogenicity (ClinVar). (P) 0801 - Strong previous evidence of pathogenicity in unrelated individuals (ClinVar).(P) 0901 - Strong evidence for segregation with disease in multiple families (PMID 24616084, PMID 24253200) (P) 1002 - Moderate functional evidence supporting abnormal protein function. Reduced protein expression and uptake was demonstrated in cells expressing this variant (PMID 24253200) (P) 1208 - Inheritance information for this variant is not currently available. (N) Legend: (P) - Pathogenic, (N) - Neutral, (B) - Benign

Cambridge Genomics Laboratory, East Genomic Laboratory Hub, NHS Genomic Medicine Service
Classification: Pathogenic for Mitochondrial disease. Last evaluated: 2019-07-23. Review status: criteria provided, single submitter. Criteria: ACGS Best Practice Guidelines for Variant Classification in Rare Disease 2020. Collection method: clinical testing. Allele origin: germline. Affected: yes. Observed: 1 variant allele.

Eurofins Ntd Llc (ga)
Classification: Pathogenic. Last evaluated: 2016-08-16. Review status: criteria provided, single submitter. Criteria: EGL Classification Definitions 2015. Collection method: clinical testing. Allele origin: germline. Observed: 1 variant allele, 1 heterozygote.

Laboratory for Molecular Medicine, Mass General Brigham Personalized Medicine
Classification: Pathogenic for Brown-Vialetto-Van Laere syndrome 2. Last evaluated: 2014-12-30. Review status: criteria provided, single submitter. Criteria: LMM Criteria. Collection method: clinical testing. Allele origin: germline. Inheritance: Autosomal recessive inheritance. Observed: 1 variant allele. Study: CSER-MedSeq.
Comment: The p.Gly306Arg variant in SLC52A2 has been reported in 8 homozygous and 6 compound heterozygous individuals with the clinical features of Brown-Vialetto-Van Laere syndrome and was found to segregate with disease in >10 affected individuals from 6 families (Johnson 2012, Foley 2014, Srour 2014, Fogel 2014). This variant was also identified in 1/16592 South Asian chromosomes by the Exome Aggregation Consortium (ExAC; dbSNP rs398124641). Although this variant has been seen in the general population, its frequency is low enough to be consistent with a recessive carrier frequency. In vitro functional studies indicate that this variant may decrease protein levels (Foley 2014). Additional computational prediction tools and conservation analysis suggest that the p.Gly206Arg variant may impact splicing through the creation of a novel 3' splice site; however this information is not predictive enough to be conclusive. In summary, this variant meets our criteria to be classified as pathogenic for of Brown-Vialetto-Van Laere syndrome in an autosomal recessive manner based upon segregation studies and biallelic occurrence in many cases.

OMIM
Classification: Pathogenic for BROWN-VIALETTO-VAN LAERE SYNDROME 2. Last evaluated: 2014-01-01. Review status: no assertion criteria provided. Collection method: literature only. Allele origin: germline. Not counted in ClinVar's aggregate classification.

GeneReviews
No classification provided. Condition: Brown-Vialetto-van Laere syndrome 2. Review status: no classification provided. Collection method: literature only. Allele origin: germline. Not counted in ClinVar's aggregate classification.
Comment: Founder variant in the Lebanese population

Literature cited by the submitters: PubMed 22740598 (cited by 4 submitters); PubMed 24253200 (cited by 6 submitters); PubMed 24616084 (cited by 5 submitters); PubMed 25133958 (cited by 3 submitters); PubMed 26669662 (cited by 3 submitters); PubMed 28116953 (cited by Ambry Genetics); PubMed 28251916 (cited by Ambry Genetics); PubMed 29913018 (cited by Ambry Genetics); PubMed 30377535 (cited by Ambry Genetics); PubMed 34602496 (cited by Ambry Genetics); PubMed 10797435 (cited by OMIM); PubMed 11175288 (cited by OMIM).

NM_001363118.2(SLC52A2):c.916G>A (p.Gly306Arg)

Gene: SLC52A2 (solute carrier family 52 member 2; plus strand). Cytogenetic location: 8q24.3.
Variant type: single nucleotide variant.
Coding change: c.916G>A on transcript NM_001363118.2 (MANE Select); coding-DNA position 916, G replaced by A.
Protein change: p.Gly306Arg; replaces glycine 306 with arginine.
Molecular consequence: missense variant. On other transcripts: non-coding transcript variant (1).
Genome position (GRCh38, 1-based): chr8:144,360,408, G>A. VCF-style: chr8-144360408-G-A. GRCh37 (hg19) VCF-style: chr8-145584068-G-A.
Other names: c.916G>A, p.Gly306Arg (NM_001253815.2, NM_001253816.2, NM_001363120.2 and 2 more transcripts); c.424G>A, p.Gly142Arg (NM_001363122.2); short protein forms G306R, G142R.
Identifiers: ClinVar variation 35470 (VCV000035470.24), dbSNP rs398124641, ClinGen allele CA342818.